The following is an entry in ClinVar:

ClinVar aggregate classification (germline): Uncertain significance (1 of 4 stars; one submission).

Submission:

Labcorp Genetics (formerly Invitae), Labcorp
Classification: Uncertain significance. Last evaluated: 2025-09-05. Review status: criteria provided, single submitter. Criteria: Invitae Variant Classification Sherloc (09022015). Collection method: clinical testing. Allele origin: germline.
Comment: This sequence change replaces histidine, which is basic and polar, with proline, which is neutral and non-polar, at codon 199 of the PPP3CA protein (p.His199Pro). This variant is not present in population databases (gnomAD no frequency). This variant has not been reported in the literature in individuals affected with PPP3CA-related conditions. Invitae Evidence Modeling of protein sequence and biophysical properties (such as structural, functional, and spatial information, amino acid conservation, physicochemical variation, residue mobility, and thermodynamic stability) indicates that this missense variant is expected to disrupt PPP3CA protein function with a positive predictive value of 80%. In summary, the available evidence is currently insufficient to determine the role of this variant in disease. Therefore, it has been classified as a Variant of Uncertain Significance.

NM_000944.5(PPP3CA):c.596A>C (p.His199Pro)

Gene: PPP3CA (protein phosphatase 3 catalytic subunit alpha; minus strand). Cytogenetic location: 4q24.
Variant type: single nucleotide variant.
Coding change: c.596A>C on transcript NM_000944.5 (MANE Select); coding-DNA position 596, A replaced by C.
Protein change: p.His199Pro; replaces histidine 199 with proline.
Molecular consequence: missense variant.
Genome position (GRCh38, 1-based): chr4:101,098,413, T>G on the plus strand (A>C on the coding strand, the complement: PPP3CA is on the minus strand). VCF-style: chr4-101098413-T-G. GRCh37 (hg19) VCF-style: chr4-102019570-T-G.
Other names: c.596A>C, p.His199Pro (NM_001130691.2, NM_001130692.2); short protein forms H199P.
Identifiers: ClinVar variation 4742203 (VCV004742203.1).
Genomic context (GRCh38, chr4:101,098,413, plus strand): 5'-ATAACAAAACTTACTTTTCTGATATCATCTAAAGTGTTAATCTCTGGAGACAAACCACCA[T>G]GCACACACAGGAACTGTTGGTTCATCAGGGCAGCCAGGGGAAGGCAGTCAAAGGCATCCA-3'
Protein context (NP_000935.1, residues 189-209): ALMNQQFLCV[His199Pro]GGLSPEINTL